The following is an entry in ClinVar:

NM_198525.3(KIF7):c.2777G>T (p.Arg926Leu)

Gene: KIF7 (kinesin family member 7; minus strand). Cytogenetic location: 15q26.1.
Variant type: single nucleotide variant.
Coding change: c.2777G>T on transcript NM_198525.3 (MANE Select); coding-DNA position 2777, G replaced by T.
Protein change: p.Arg926Leu; replaces arginine 926 with leucine.
Molecular consequence: missense variant.
Genome position (GRCh38, 1-based): chr15:89,632,938, C>A on the plus strand (G>T on the coding strand, the complement: KIF7 is on the minus strand). VCF-style: chr15-89632938-C-A. GRCh37 (hg19) VCF-style: chr15-90176169-C-A.
Other names: short protein forms R926L.
Identifiers: ClinVar variation 2006177 (VCV002006177.4), dbSNP rs753737326, ClinGen allele CA393758299.

ClinVar aggregate classification (germline): Uncertain significance (1 of 4 stars; one submission).

Conditions:
Acrocallosal syndrome (ACLS). Also called: HALLUX DUPLICATION, POSTAXIAL POLYDACTYLY, AND ABSENCE OF CORPUS CALLOSUM; Schinzel syndrome 1; Absence of corpus callosum with unusual facial appearance, mental deficiency, duplication of the halluces and polydactyly. Identifiers: Orphanet 36, MedGen C0796147, MONDO:0008708, OMIM 200990.

Submission:

Labcorp Genetics (formerly Invitae), Labcorp
Classification: Uncertain significance for Acrocallosal syndrome. Last evaluated: 2022-06-14. Review status: criteria provided, single submitter. Criteria: Invitae Variant Classification Sherloc (09022015). Collection method: clinical testing. Allele origin: germline.
Comment: Algorithms developed to predict the effect of missense changes on protein structure and function are either unavailable or do not agree on the potential impact of this missense change (SIFT: "Deleterious"; PolyPhen-2: "Possibly Damaging"; Align-GVGD: "Class C0"). This variant has not been reported in the literature in individuals affected with KIF7-related conditions. This variant is not present in population databases (gnomAD no frequency). This sequence change replaces arginine, which is basic and polar, with leucine, which is neutral and non-polar, at codon 926 of the KIF7 protein (p.Arg926Leu). In summary, the available evidence is currently insufficient to determine the role of this variant in disease. Therefore, it has been classified as a Variant of Uncertain Significance.